The following is an entry in ClinVar:

NM_002691.4(POLD1):c.182T>A (p.Val61Asp)

Gene: POLD1 (DNA polymerase delta 1, catalytic subunit; plus strand). Cytogenetic location: 19q13.33.
Variant type: single nucleotide variant.
Coding change: c.182T>A on transcript NM_002691.4 (MANE Select); coding-DNA position 182, T replaced by A.
Protein change: p.Val61Asp; replaces valine 61 with aspartic acid.
Molecular consequence: missense variant. On other transcripts: non-coding transcript variant (1).
Genome position (GRCh38, 1-based): chr19:50,399,033, T>A. VCF-style: chr19-50399033-T-A. GRCh37 (hg19) VCF-style: chr19-50902290-T-A.
Other names: c.182T>A, p.Val61Asp (NM_001438213.1, NM_001256849.1, NM_001308632.1 and 3 more transcripts); short protein forms V61D.
Identifiers: ClinVar variation 4721655 (VCV004721655.1).

ClinVar aggregate classification (germline): Uncertain significance (1 of 4 stars; one submission).

Conditions:
POLD1-related polyposis and colorectal cancer syndrome (CRCS10). Also called: COLORECTAL CANCER, SUSCEPTIBILITY TO, ON CHROMOSOME 19q; Colorectal cancer 10; Colorectal cancer, susceptibility to, 10. Identifiers: Orphanet 220460, MedGen C2675481, MONDO:0012953, OMIM 612591.

Submission:

Labcorp Genetics (formerly Invitae), Labcorp
Classification: Uncertain significance for POLD1-related polyposis and colorectal cancer syndrome. Last evaluated: 2025-04-30. Review status: criteria provided, single submitter. Criteria: Invitae Variant Classification Sherloc (09022015). Collection method: clinical testing. Allele origin: germline.
Comment: This sequence change replaces valine, which is neutral and non-polar, with aspartic acid, which is acidic and polar, at codon 61 of the POLD1 protein (p.Val61Asp). This variant is not present in population databases (gnomAD no frequency). This variant has not been reported in the literature in individuals affected with POLD1-related conditions. Invitae Evidence Modeling of protein sequence and biophysical properties (such as structural, functional, and spatial information, amino acid conservation, physicochemical variation, residue mobility, and thermodynamic stability) indicates that this missense variant is not expected to disrupt POLD1 protein function with a negative predictive value of 80%. In summary, the available evidence is currently insufficient to determine the role of this variant in disease. Therefore, it has been classified as a Variant of Uncertain Significance.